The following is an entry in ClinVar:

NM_000368.5(TSC1):c.210+16T>G

Gene: TSC1 (TSC complex subunit 1; minus strand). Cytogenetic location: 9q34.13.
Variant type: single nucleotide variant.
Coding change: c.210+16T>G on transcript NM_000368.5 (MANE Select); 16 bases into the intron after coding-DNA position 210, T replaced by G.
Molecular consequence: intron variant.
Genome position (GRCh38, 1-based): chr9:132,927,185, A>C on the plus strand (T>G on the coding strand, the complement: TSC1 is on the minus strand). VCF-style: chr9-132927185-A-C. GRCh37 (hg19) VCF-style: chr9-135802572-A-C.
Other names: c.-153-1446T>G (NM_001362177.2); c.210+16T>G (NM_001162427.2, NM_001162426.2).
Identifiers: ClinVar variation 386674 (VCV000386674.5), dbSNP rs1057522568, ClinGen allele CA16605649.

ClinVar aggregate classification (germline): Likely benign. Review status: criteria provided, multiple submitters, no conflicts (2 of 4 stars). 2 submissions from 2 submitters: Likely benign (2). Last evaluated 2025-08-11.

Conditions:
Tuberous sclerosis 1 (TSC1). Identifiers: Orphanet 805, MedGen C1854465, MONDO:0008612, OMIM 191100.

Allele frequency attached by ClinVar (database versions not stated): gnomAD exomes below 0.00001.

Submissions (2):

Labcorp Genetics (formerly Invitae), Labcorp
Classification: Likely benign for Tuberous sclerosis 1. Last evaluated: 2025-08-11. Review status: criteria provided, single submitter. Criteria: Invitae Variant Classification Sherloc (09022015). Collection method: clinical testing. Allele origin: germline.

GeneDx
Classification: Likely benign. Last evaluated: 2016-05-31. Review status: criteria provided, single submitter. Criteria: GeneDx Variant Classification (06012015). Collection method: clinical testing. Allele origin: germline. Affected: yes.
Comment: This variant is considered likely benign or benign based on one or more of the following criteria: it is a conservative change, it occurs at a poorly conserved position in the protein, it is predicted to be benign by multiple in silico algorithms, and/or has population frequency not consistent with disease.